The following is an entry in ClinVar:

ClinVar aggregate classification (germline): Pathogenic. Review status: criteria provided, multiple submitters, no conflicts (2 of 4 stars). 3 submissions from 3 submitters: Pathogenic (2). 1 of the submissions does not count toward it. Last evaluated 2025-06-06.

Conditions:
Ataxia-telangiectasia syndrome (AT). Also called: LOUIS-BAR SYNDROME; Cerebello-oculocutaneous telangiectasia; Immunodeficiency with ataxia telangiectasia; Ataxia-telangiectasia, complementation group E; Ataxia-telangiectasia, complementation group D; AT, COMPLEMENTATION GROUP C. Identifiers: Orphanet 100, MedGen C0004135, MONDO:0008840, OMIM 208900.
Hereditary cancer-predisposing syndrome. Also called: Hereditary Cancer Syndrome; Hereditary neoplastic syndrome; Neoplastic Syndromes, Hereditary; Tumor predisposition. Identifiers: Orphanet 140162, MedGen C0027672, MeSH D009386, MONDO:0015356.

gnomAD v4.1: 1 of 1,614,214 alleles (0.000062%); no homozygotes.

Submissions (3):

Ambry Genetics
Classification: Pathogenic for Hereditary cancer-predisposing syndrome. Last evaluated: 2025-06-06. Review status: criteria provided, single submitter. Criteria: Ambry Variant Classification Scheme 2023. Collection method: clinical testing. Allele origin: germline.
Comment: The p.Y2969* pathogenic mutation (also known as c.8907T>G), located in coding exon 61 of the ATM gene, results from a T to G substitution at nucleotide position 8907. This changes the amino acid from a tyrosine to a stop codon within coding exon 61. This variant has been identified in the homozygous state and in conjunction with other ATM variant(s) in individual(s) with features consistent with ataxia telangiectasia (Heidari M et al. Curr Genomics, 2019 Nov;20:531-534; Amirifar P et al. J Clin Immunol, 2022 Jan;42:72-84). This variant is considered to be rare based on population cohorts in the Genome Aggregation Database (gnomAD). In addition to the clinical data presented in the literature, this alteration is expected to result in loss of function by premature protein truncation or nonsense-mediated mRNA decay. As such, this alteration is interpreted as a disease-causing mutation.

Kariminejad - Najmabadi Pathology & Genetics Center
Classification: Pathogenic for Ataxia-telangiectasia syndrome. Review status: criteria provided, single submitter. Criteria: ACMG Guidelines, 2015. Collection method: clinical testing. Allele origin: germline. Affected: no.

Immunology, Asthma and Allergy Research Institute, Tehran University of Medical Sciences
Classification: Likely pathogenic for Ataxia-telangiectasia syndrome. Review status: no assertion criteria provided. Collection method: research. Allele origin: inherited. Inheritance: Autosomal recessive inheritance. Affected: yes. Not counted in ClinVar's aggregate classification.

Literature cited by the submitters: PubMed 32655291 (cited by Ambry Genetics and Immunology, Asthma and Allergy Research Institute, Tehran University of Medical Sciences); PubMed 34628594 (cited by Ambry Genetics).

NM_000051.4(ATM):c.8907T>G (p.Tyr2969Ter)

Genes: ATM (ATM serine/threonine kinase; plus strand), C11orf65 (chromosome 11 open reading frame 65; minus strand). Cytogenetic location: 11q22.3.
Variant type: single nucleotide variant.
Coding change: c.8907T>G on transcript NM_000051.4 (MANE Select); coding-DNA position 8907, T replaced by G.
Protein change: p.Tyr2969Ter; replaces tyrosine 2969 with a stop codon.
Molecular consequence: nonsense. On other transcripts: intron variant (2).
Genome position (GRCh38, 1-based): chr11:108,365,138, T>G. VCF-style: chr11-108365138-T-G. GRCh37 (hg19) VCF-style: chr11-108235865-T-G.
Other names: c.8907T>G, p.Tyr2969Ter (NM_001351834.2); c.640+20782A>C (NM_001330368.2); c.694+20782A>C (NM_001351110.2); short protein forms Y2969*.
Identifiers: ClinVar variation 2507018 (VCV002507018.3), dbSNP rs2137877191, ClinGen allele CA382529861.
Genomic context (GRCh38, chr11:108,365,138, plus strand): 5'-TTAGGTCCTTCTATATGATCCACTCTTTGACTGGACCATGAATCCTTTGAAAGCTTTGTA[T>G]TTACAGCAGAGGCCGGAAGATGAAACTGAGCTTCACCCTACTCTGAATGCAGATGACCAA-3'